The following is an entry in ClinVar:

ClinVar aggregate classification (germline): Uncertain significance (1 of 4 stars; one submission).

Conditions:
3-Methylglutaconic aciduria type 2 (BTHS). Also called: Barth syndrome; CARDIOSKELETAL MYOPATHY WITH NEUTROPENIA AND ABNORMAL MITOCHONDRIA. Identifiers: Orphanet 111, MedGen C0574083, MONDO:0010543, OMIM 302060.

Submission:

Labcorp Genetics (formerly Invitae), Labcorp
Classification: Uncertain significance for 3-Methylglutaconic aciduria type 2. Last evaluated: 2025-09-04. Review status: criteria provided, single submitter. Criteria: Invitae Variant Classification Sherloc (09022015). Collection method: clinical testing. Allele origin: germline.
Comment: This sequence change replaces proline, which is neutral and non-polar, with alanine, which is neutral and non-polar, at codon 247 of the TAZ protein (p.Pro247Ala). This variant is not present in population databases (gnomAD no frequency). This variant has not been reported in the literature in individuals affected with TAZ-related conditions. An algorithm developed to predict the effect of missense changes on protein structure and function (PolyPhen-2) suggests that this variant is likely to be tolerated. In summary, the available evidence is currently insufficient to determine the role of this variant in disease. Therefore, it has been classified as a Variant of Uncertain Significance.

NM_000116.5(TAFAZZIN):c.739C>G (p.Pro247Ala)

Gene: TAFAZZIN (tafazzin, phospholipid-lysophospholipid transacylase; plus strand). Cytogenetic location: Xq28.
Variant type: single nucleotide variant.
Coding change: c.739C>G on transcript NM_000116.5 (MANE Select); coding-DNA position 739, C replaced by G.
Protein change: p.Pro247Ala; replaces proline 247 with alanine.
Molecular consequence: missense variant. On other transcripts: non-coding transcript variant (1).
Genome position (GRCh38, 1-based): chrX:154,420,697, C>G. VCF-style: chrX-154420697-C-G. GRCh37 (hg19) VCF-style: chrX-153649036-C-G.
Other names: c.751C>G, p.Pro251Ala (NM_001303465.2); c.703C>G, p.Pro235Ala (NM_001410698.1); c.793C>G, p.Pro265Ala (NM_001440856.1); c.661C>G, p.Pro221Ala (NM_001440857.1); c.526C>G, p.Pro176Ala (NM_001440858.1); c.649C>G, p.Pro217Ala (NM_181311.4); c.697C>G, p.Pro233Ala (NM_181312.4); c.607C>G, p.Pro203Ala (NM_181313.4); short protein forms P203A, P217A, P251A, P247A, P265A, P176A, P221A, P233A.
Identifiers: ClinVar variation 4726475 (VCV004726475.1).